The following is an entry in ClinVar:

ClinVar aggregate classification (germline): Uncertain significance (1 of 4 stars; one submission).

Allele frequency attached by ClinVar (database versions not stated): TOPMed below 0.00001; ExAC 0.00001; gnomAD 0.00003.

Submission:

GeneDx
Classification: Uncertain significance. Last evaluated: 2023-02-02. Review status: criteria provided, single submitter. Criteria: GeneDx Variant Classification Process June 2021. Collection method: clinical testing. Allele origin: germline. Affected: yes.
Comment: In silico analysis supports that this missense variant does not alter protein structure/function; Has not been previously published as pathogenic or benign to our knowledge

NM_006565.4(CTCF):c.170G>A (p.Ser57Asn)

Gene: CTCF (CCCTC-binding factor; plus strand). Cytogenetic location: 16q22.1.
Variant type: single nucleotide variant.
Coding change: c.170G>A on transcript NM_006565.4 (MANE Select); coding-DNA position 170, G replaced by A.
Protein change: p.Ser57Asn; replaces serine 57 with asparagine.
Molecular consequence: missense variant. On other transcripts: intron variant (1).
Genome position (GRCh38, 1-based): chr16:67,611,002, G>A. VCF-style: chr16-67611002-G-A. GRCh37 (hg19) VCF-style: chr16-67644905-G-A.
Other names: c.170G>A, p.Ser57Asn (NM_001363916.2); c.-32-5743G>A (NM_001191022.2); short protein forms S57N.
Identifiers: ClinVar variation 2574855 (VCV002574855.1), dbSNP rs764385283, ClinGen allele CA8112483.